The following is an entry in ClinVar:

ClinVar aggregate classification (germline): Uncertain significance (1 of 4 stars; one submission).

Conditions:
Perlman syndrome (PRLMNS). Identifiers: Orphanet 2849, MedGen C0796113, MONDO:0009965, OMIM 267000.

Allele frequency attached by ClinVar (database versions not stated): gnomAD exomes below 0.00001; TOPMed below 0.00001; gnomAD 0.00001.
gnomAD v4.1: 4 of 1,613,786 alleles (0.00025%); highest among the groups gnomAD compares: Non-Finnish European, 0.00025%; no homozygotes.

Submission:

Labcorp Genetics (formerly Invitae), Labcorp
Classification: Uncertain significance for Perlman syndrome. Last evaluated: 2025-11-22. Review status: criteria provided, single submitter. Criteria: Invitae Variant Classification Sherloc (09022015). Collection method: clinical testing. Allele origin: germline.
Comment: This sequence change replaces phenylalanine, which is neutral and non-polar, with leucine, which is neutral and non-polar, at codon 757 of the DIS3L2 protein (p.Phe757Leu). This variant is not present in population databases (gnomAD no frequency). This variant has not been reported in the literature in individuals affected with DIS3L2-related conditions. ClinVar contains an entry for this variant (Variation ID: 531940). Invitae Evidence Modeling of protein sequence and biophysical properties (such as structural, functional, and spatial information, amino acid conservation, physicochemical variation, residue mobility, and thermodynamic stability) has been performed for this missense variant. However, the output from this modeling did not meet the statistical confidence thresholds required to predict the impact of this variant on DIS3L2 protein function. In summary, the available evidence is currently insufficient to determine the role of this variant in disease. Therefore, it has been classified as a Variant of Uncertain Significance.

NM_152383.5(DIS3L2):c.2269T>C (p.Phe757Leu)

Gene: DIS3L2 (DIS3 like 3'-5' exoribonuclease 2; plus strand). Cytogenetic location: 2q37.1.
Variant type: single nucleotide variant.
Coding change: c.2269T>C on transcript NM_152383.5 (MANE Select); coding-DNA position 2269, T replaced by C.
Protein change: p.Phe757Leu; replaces phenylalanine 757 with leucine.
Molecular consequence: missense variant. On other transcripts: non-coding transcript variant (2), intron variant (1).
Genome position (GRCh38, 1-based): chr2:232,334,479, T>C. VCF-style: chr2-232334479-T-C. GRCh37 (hg19) VCF-style: chr2-233199189-T-C.
Other names: c.1582-8866T>C (NM_001257281.2); short protein forms F757L.
Identifiers: ClinVar variation 531940 (VCV000531940.10), dbSNP rs1298748971, ClinGen allele CA350977841.